The following is an entry in ClinVar:

ClinVar aggregate classification (germline): Benign (1 of 4 stars; one submission).

Conditions:
MELAS syndrome (MELAS). Also called: Juvenile myopathy, encephalopathy, lactic acidosis, stroke. Identifiers: Orphanet 550, MedGen C0162671, MONDO:0010789, OMIM 540000.

Submission:

Wong Mito Lab, Molecular and Human Genetics, Baylor College of Medicine
Classification: Benign for MELAS syndrome. Last evaluated: 2019-07-12. Review status: criteria provided, single submitter. Criteria: Modified ACMG Guidelines (Unpublished). Collection method: clinical testing. Allele origin: germline.
Comment: The NC_012920.1:m.1664G>A variant in MT-TV gene is interpreted to be a Benign variant based on the modified ACMG guidelines (unpublished). This variant meets the following evidence codes reported in the guidelines: BS1, BS4, BP4

Literature cited by the submitters: PubMed 31965079.

NC_012920.1(MT-TV):m.1664G>A

Gene: MT-TV (mitochondrially encoded tRNA valine; plus strand).
Variant type: single nucleotide variant.
Genome position: chrM-1664-G-A.
Identifiers: ClinVar variation 689853 (VCV000689853.1), dbSNP rs200807305, ClinGen allele CA337096100.